The following is an entry in ClinVar:

ClinVar aggregate classification (germline): Uncertain significance. Review status: criteria provided, multiple submitters, no conflicts (2 of 4 stars). 2 submissions from 2 submitters: Uncertain significance (2). Last evaluated 2024-02-12.

Conditions:
Long QT syndrome (LQTS). Identifiers: MedGen C0023976, MeSH D008133, MONDO:0002442. Disease mechanism: loss of function. Inheritance: Various modes of inheritance.

Allele frequency attached by ClinVar (database versions not stated): ExAC 0.00002; gnomAD exomes 0.00002 and 0.00001; TOPMed below 0.00001.
gnomAD v4.1: 14 of 1,614,086 alleles (0.00087%); highest among the groups gnomAD compares: South Asian, 0.0055%; no homozygotes.

Submissions (2):

Blueprint Genetics
Classification: Uncertain significance. Last evaluated: 2024-02-12. Review status: criteria provided, single submitter. Criteria: ACMG Guidelines, 2015. Collection method: clinical testing. Allele origin: germline.

Labcorp Genetics (formerly Invitae), Labcorp
Classification: Uncertain significance for Long QT syndrome. Last evaluated: 2023-08-04. Review status: criteria provided, single submitter. Criteria: Invitae Variant Classification Sherloc (09022015). Collection method: clinical testing. Allele origin: germline.
Comment: In summary, the available evidence is currently insufficient to determine the role of this variant in disease. Therefore, it has been classified as a Variant of Uncertain Significance. An algorithm developed to predict the effect of missense changes on protein structure and function (PolyPhen-2) suggests that this variant is likely to be disruptive. ClinVar contains an entry for this variant (Variation ID: 222500). This variant has not been reported in the literature in individuals affected with ANK2-related conditions. This variant is present in population databases (rs752318984, gnomAD 0.009%). This sequence change replaces arginine, which is basic and polar, with histidine, which is basic and polar, at codon 2154 of the ANK2 protein (p.Arg2154His).

NM_001148.6(ANK2):c.6461G>A (p.Arg2154His)

Gene: ANK2 (ankyrin 2; plus strand). Cytogenetic location: 4q26.
Variant type: single nucleotide variant.
Coding change: c.6461G>A on transcript NM_001148.6 (MANE Select); coding-DNA position 6461, G replaced by A.
Protein change: p.Arg2154His; replaces arginine 2154 with histidine.
Molecular consequence: missense variant. On other transcripts: intron variant (68).
Genome position (GRCh38, 1-based): chr4:113,355,079, G>A. VCF-style: chr4-113355079-G-A. GRCh37 (hg19) VCF-style: chr4-114276235-G-A.
Other names: c.6227G>A, p.Arg2076His (NM_001386142.1); c.2861G>A, p.Arg954His (NM_001386166.1); c.6602G>A, p.Arg2201His (NM_001386174.1); c.6578G>A, p.Arg2193His (NM_001386175.1); c.4411+4830G>A (NM_001386186.2, NM_001386148.2); c.4213+4830G>A (NM_001354269.3); c.4291+4830G>A (NM_001386187.2); c.4252+4830G>A (NM_001386147.1); and 35 more; short protein forms R2154H, R2076H, R2193H, R2201H, R954H.
Identifiers: ClinVar variation 222500 (VCV000222500.8), dbSNP rs752318984, ClinGen allele CA354042.